The following is an entry in ClinVar:

NM_000540.3(RYR1):c.9278G>A (p.Arg3093His)

Gene: RYR1 (ryanodine receptor 1; plus strand). Cytogenetic location: 19q13.2.
Variant type: single nucleotide variant.
Coding change: c.9278G>A on transcript NM_000540.3 (MANE Select); coding-DNA position 9278, G replaced by A.
Protein change: p.Arg3093His; replaces arginine 3093 with histidine.
Molecular consequence: missense variant.
Genome position (GRCh38, 1-based): chr19:38,512,289, G>A. VCF-style: chr19-38512289-G-A. GRCh37 (hg19) VCF-style: chr19-39002929-G-A.
Other names: c.9278G>A, p.Arg3093His (NM_001042723.2); c.9278G>A (NM_000540.2); short protein forms R3093H.
Identifiers: ClinVar variation 1006802 (VCV001006802.13), dbSNP rs1414706865, ClinGen allele CA405686307.
Genomic context (GRCh38, chr19:38,512,289, plus strand): 5'-CCCGCTGCCCTTCTAGGACAGTGATGAAGTCAGGCCCTGAGATCGTGAAGGCTGGCCTCC[G>A]CTCCTTCTTCGAGAGTGCCTCGGAGGACATCGAGAAGATGGTGGAGAACCTGCGGCTGGG-3'
Protein context (NP_000531.2, residues 3083-3103): SGPEIVKAGL[Arg3093His]SFFESASEDI

ClinVar aggregate classification (germline): Uncertain significance. Review status: criteria provided, multiple submitters, no conflicts (2 of 4 stars). 5 submissions from 5 submitters: Uncertain significance (5). Last evaluated 2025-10-15.

Conditions:
Inborn genetic diseases. Identifiers: MedGen C0950123, MeSH D030342.
Congenital multicore myopathy with external ophthalmoplegia (CMYO1B). Also called: MULTICORE MYOPATHY; MULTIMINICORE DISEASE WITH EXTERNAL OPHTHALMOPLEGIA; Congenital myopathy 1B, autosomal recessive; Minicore myopathy; Minicore myopathy with external ophthalmoplegia. Identifiers: Orphanet 598, Orphanet 98905, MedGen C1850674, MONDO:0009712, OMIM 255320, HP:0003789.
King Denborough syndrome (KDS). Identifiers: MedGen C1840365, MONDO:0020485, OMIM 619542.
Congenital myopathy with fiber type disproportion. Also called: Congenital fiber-type disproportion; Congenital fiber-type disproportion myopathy. Identifiers: Orphanet 2020, MedGen C0546264, MONDO:0009711. Inheritance: all.
Malignant hyperthermia, susceptibility to, 1 (MHS1). Also called: RYR1-Related Malignant Hyperthermia Susceptibility; Anesthesia related hyperthermia; Malignant hyperpyrexia; Fulminating hyperpyrexia; Pharmacogenic myopathy; Malignant hyperthermia suceptibility 1. Identifiers: Orphanet 423, MedGen C2930980, MONDO:0007783, OMIM 145600.
Central core myopathy (CMYO1A). Also called: Central core disease; Myopathy, central fibrillar; CONGENITAL MYOPATHY 1A, AUTOSOMAL DOMINANT, WITH SUSCEPTIBILITY TO MALIGNANT HYPERTHERMIA. Identifiers: Orphanet 597, MedGen C5830701, MONDO:0007294, OMIM 117000.
RYR1-related disorder. Also called: RYR1-related condition; RYR1-related disorders. Identifiers: MedGen CN239331.

Allele frequency attached by ClinVar (database versions not stated): gnomAD 0.00001; TOPMed 0.00001; gnomAD exomes 0.00002.
gnomAD v4.1: 15 of 1,614,104 alleles (0.00093%); highest among the groups gnomAD compares: South Asian, 0.0022%; no homozygotes.

Submissions (5):

PreventionGenetics, part of Exact Sciences
Classification: Uncertain significance for RYR1-related condition. Last evaluated: 2025-10-15. Review status: criteria provided, single submitter. Criteria: ACMG Guidelines, 2015. Collection method: clinical testing. Allele origin: germline.
Comment: The RYR1 c.9278G>A variant is predicted to result in the amino acid substitution p.Arg3093His. To our knowledge, this variant has not been reported in the literature. This variant is reported in 0.0033% of alleles in individuals of South Asian descent in gnomAD. At this time, the clinical significance of this variant is uncertain due to the absence of conclusive functional and genetic evidence.

Ambry Genetics
Classification: Uncertain significance for Inborn genetic diseases. Last evaluated: 2024-01-08. Review status: criteria provided, single submitter. Criteria: Ambry Variant Classification Scheme 2023. Collection method: clinical testing. Allele origin: germline.

Labcorp Genetics (formerly Invitae), Labcorp
Classification: Uncertain significance for RYR1-related disorder. Last evaluated: 2022-10-03. Review status: criteria provided, single submitter. Criteria: Invitae Variant Classification Sherloc (09022015). Collection method: clinical testing. Allele origin: germline.
Comment: This sequence change replaces arginine, which is basic and polar, with histidine, which is basic and polar, at codon 3093 of the RYR1 protein (p.Arg3093His). In summary, the available evidence is currently insufficient to determine the role of this variant in disease. Therefore, it has been classified as a Variant of Uncertain Significance. Advanced modeling of protein sequence and biophysical properties (such as structural, functional, and spatial information, amino acid conservation, physicochemical variation, residue mobility, and thermodynamic stability) performed at Invitae indicates that this missense variant is expected to disrupt RYR1 protein function. ClinVar contains an entry for this variant (Variation ID: 1006802). This variant has not been reported in the literature in individuals affected with RYR1-related conditions. This variant is present in population databases (no rsID available, gnomAD 0.003%).

Fulgent Genetics
Classification: Uncertain significance for Central core myopathy; Malignant hyperthermia, susceptibility to, 1; Congenital myopathy 4A, autosomal dominant; Congenital multicore myopathy with external ophthalmoplegia; King Denborough syndrome. Last evaluated: 2021-08-23. Review status: criteria provided, single submitter. Criteria: ACMG Guidelines, 2015. Collection method: clinical testing. Allele origin: unknown.

Revvity Omics, Revvity
Classification: Uncertain significance. Last evaluated: 2021-02-12. Review status: criteria provided, single submitter. Criteria: ACMG Guidelines, 2015. Collection method: clinical testing. Allele origin: germline.